The following is an entry in ClinVar:

NM_005585.5(SMAD6):c.1339C>T (p.Gln447Ter)

Gene: SMAD6 (SMAD family member 6; plus strand). Cytogenetic location: 15q22.31.
Variant type: single nucleotide variant.
Coding change: c.1339C>T on transcript NM_005585.5 (MANE Select); coding-DNA position 1339, C replaced by T.
Protein change: p.Gln447Ter; replaces glutamine 447 with a stop codon.
Molecular consequence: nonsense. On other transcripts: non-coding transcript variant (1).
Genome position (GRCh38, 1-based): chr15:66,781,383, C>T. VCF-style: chr15-66781383-C-T. GRCh37 (hg19) VCF-style: chr15-67073721-C-T.
Other names: short protein forms Q447*.
Identifiers: ClinVar variation 690414 (VCV000690414.2), dbSNP rs1595805270, ClinGen allele CA393202333.

ClinVar aggregate classification (germline): Uncertain significance (0 of 4 stars; one submission).

Conditions:
Radioulnar synostosis. Also called: Congenital radioulnar synostosis. Identifiers: Orphanet 3269, MedGen C0158761, MONDO:0017985, HP:0002974.

Allele frequency attached by ClinVar (database versions not stated): gnomAD exomes below 0.00001.
gnomAD v4.1: 4 of 1,601,846 alleles (0.00025%); highest among the groups gnomAD compares: Non-Finnish European, 0.00034%; no homozygotes.

Submission:

The Laboratory of Genetics and Metabolism, Hunan Children’s Hospital
Classification: Uncertain significance for radioulnar synostosis. Last evaluated: 2019-05-14. Review status: no assertion criteria provided. Collection method: case-control. Allele origin: maternal. Affected: yes.
Comment: PVS1, PM2, PP3, BS4